The following is an entry in ClinVar:

NM_004655.4(AXIN2):c.1713-12G>A

Gene: AXIN2 (axin 2; minus strand). Cytogenetic location: 17q24.1.
Variant type: single nucleotide variant.
Coding change: c.1713-12G>A on transcript NM_004655.4 (MANE Select); 12 bases into the intron before coding-DNA position 1713, G replaced by A.
Molecular consequence: intron variant.
Genome position (GRCh38, 1-based): chr17:65,537,075, C>T on the plus strand (G>A on the coding strand, the complement: AXIN2 is on the minus strand). VCF-style: chr17-65537075-C-T. GRCh37 (hg19) VCF-style: chr17-63533193-C-T.
Other names: c.1712+249G>A (NM_001363813.1).
Identifiers: ClinVar variation 1708682 (VCV001708682.7), dbSNP rs1247563219, ClinGen allele CA2580094707.

ClinVar aggregate classification (germline): Conflicting classifications of pathogenicity. Review status: criteria provided, conflicting classifications (1 of 4 stars). 2 submissions from 2 submitters: Uncertain significance (1); Likely benign (1). Last evaluated 2025-01-01.

Conditions:
Oligodontia-cancer predisposition syndrome. Also called: TOOTH AGENESIS-COLORECTAL CANCER SYNDROME. Identifiers: Orphanet 300576, MedGen C1837750, MONDO:0012075, OMIM 608615. Disease mechanism: loss of function.

Submissions (2):

Labcorp Genetics (formerly Invitae), Labcorp
Classification: Likely benign for Oligodontia-cancer predisposition syndrome. Last evaluated: 2025-01-01. Review status: criteria provided, single submitter. Criteria: Invitae Variant Classification Sherloc (09022015). Collection method: clinical testing. Allele origin: germline.

GeneDx
Classification: Uncertain significance. Last evaluated: 2022-04-08. Review status: criteria provided, single submitter. Criteria: GeneDx Variant Classification Process June 2021. Collection method: clinical testing. Allele origin: germline. Affected: yes.
Comment: Not observed at significant frequency in large population cohorts (gnomAD); In silico analysis supports a deleterious effect on splicing; Has not been previously published as pathogenic or benign to our knowledge